The following is an entry in ClinVar:

NM_001166108.2(PALLD):c.1965-12585C>T

Gene: PALLD (palladin, cytoskeletal associated protein; plus strand). Cytogenetic location: 4q32.3.
Variant type: single nucleotide variant.
Coding change: c.1965-12585C>T on transcript NM_001166108.2 (MANE Select); 12585 bases into the intron before coding-DNA position 1965, C replaced by T.
Molecular consequence: intron variant. On other transcripts: missense variant (1).
Genome position (GRCh38, 1-based): chr4:168,878,337, C>T. VCF-style: chr4-168878337-C-T. GRCh37 (hg19) VCF-style: chr4-169799488-C-T.
Other names: c.446C>T, p.Ser149Leu (NM_001166110.2); c.1965-12585C>T (NM_016081.4); c.819-12585C>T (NM_001166109.2); c.-157-12585C>T (NM_001367570.1, NM_001367568.1, NM_001367567.1 and 1 more transcripts); short protein forms S149L.
Identifiers: ClinVar variation 3413720 (VCV003413720.1).

ClinVar aggregate classification (germline): Uncertain significance (1 of 4 stars; one submission).

gnomAD v4.1: 2 of 1,521,630 alleles (0.00013%); highest among the groups gnomAD compares: Admixed American, 0.002%; no homozygotes.

Submission:

Ambry Genetics
Classification: Uncertain significance. Last evaluated: 2024-12-06. Review status: criteria provided, single submitter. Criteria: Ambry Variant Classification Scheme 2023. Collection method: clinical testing. Allele origin: germline.
Comment: The p.S149L variant (also known as c.446C>T), located in coding exon 1 of the PALLD gene, results from a C to T substitution at nucleotide position 446. The serine at codon 149 is replaced by leucine, an amino acid with dissimilar properties. This amino acid position is conserved. In addition, this alteration is predicted to be tolerated by in silico analysis. Based on the available evidence, the clinical significance of this variant remains unclear.